The following is an entry in ClinVar:

NM_020745.4(AARS2):c.2598+16G>T

Gene: AARS2 (alanyl-tRNA synthetase 2, mitochondrial; minus strand). Cytogenetic location: 6p21.1.
Variant type: single nucleotide variant.
Coding change: c.2598+16G>T on transcript NM_020745.4 (MANE Select); 16 bases into the intron after coding-DNA position 2598, G replaced by T.
Molecular consequence: intron variant.
Genome position (GRCh38, 1-based): chr6:44,302,044, C>A on the plus strand (G>T on the coding strand, the complement: AARS2 is on the minus strand). VCF-style: chr6-44302044-C-A. GRCh37 (hg19) VCF-style: chr6-44269781-C-A.
Identifiers: ClinVar variation 136219 (VCV000136219.9), dbSNP rs113721536, ClinGen allele CA289188.

ClinVar aggregate classification (germline): Benign. Review status: criteria provided, multiple submitters, no conflicts (2 of 4 stars). 2 submissions from 2 submitters: Benign (2). Last evaluated 2026-01-27.

Allele frequency attached by ClinVar (database versions not stated): gnomAD exomes 0.00095 and 0.00249; ExAC 0.00337; gnomAD 0.01003 and 0.01078; 1000 Genomes Project 0.01078; TOPMed 0.01106; ESP Exome Variant Server 0.01123; 1000 Genomes Project 30x 0.01156.

Submissions (2):

Labcorp Genetics (formerly Invitae), Labcorp
Classification: Benign. Last evaluated: 2026-01-27. Review status: criteria provided, single submitter. Criteria: Invitae Variant Classification Sherloc (09022015). Collection method: clinical testing. Allele origin: germline.

GeneDx
Classification: Benign. Last evaluated: 2013-05-23. Review status: criteria provided, single submitter. Criteria: GeneDx Variant Classification (06012015). Collection method: clinical testing. Allele origin: germline. Affected: yes.
Comment: This variant is considered likely benign or benign based on one or more of the following criteria: it is a conservative change, it occurs at a poorly conserved position in the protein, it is predicted to be benign by multiple in silico algorithms, and/or has population frequency not consistent with disease.